The following is an entry in ClinVar:

ClinVar aggregate classification (germline): Uncertain significance (1 of 4 stars; one submission).

Conditions:
Inborn genetic diseases. Identifiers: MedGen C0950123, MeSH D030342.

Submission:

Ambry Genetics
Classification: Uncertain significance for Inborn genetic diseases. Last evaluated: 2025-05-19. Review status: criteria provided, single submitter. Criteria: Ambry Variant Classification Scheme 2023. Collection method: clinical testing. Allele origin: germline.
Comment: The p.N47D variant (also known as c.139A>G), located in coding exon 2 of the ERCC6L2 gene, results from an A to G substitution at nucleotide position 139. The asparagine at codon 47 is replaced by aspartic acid, an amino acid with highly similar properties. This amino acid position is conserved. In addition, this alteration is predicted to be tolerated by in silico analysis. Based on the available evidence, the clinical significance of this variant remains unclear.

NM_020207.7(ERCC6L2):c.139A>G (p.Asn47Asp)

Gene: ERCC6L2 (ERCC excision repair 6 like 2; plus strand). Cytogenetic location: 9q22.32.
Variant type: single nucleotide variant.
Coding change: c.139A>G on transcript NM_020207.7 (MANE Select); coding-DNA position 139, A replaced by G.
Protein change: p.Asn47Asp; replaces asparagine 47 with aspartic acid.
Molecular consequence: missense variant. On other transcripts: non-coding transcript variant (1).
Genome position (GRCh38, 1-based): chr9:95,880,961, A>G. VCF-style: chr9-95880961-A-G. GRCh37 (hg19) VCF-style: chr9-98643243-A-G.
Other names: c.139A>G, p.Asn47Asp (NM_001010895.4, NM_001375291.1, NM_001375292.1 and 2 more transcripts); short protein forms N47D.
Identifiers: ClinVar variation 4019363 (VCV004019363.1).
Genomic context (GRCh38, chr9:95,880,961, plus strand): 5'-CCTTCTCCAGATAATGGAAAACTTTGTGAAGCAAGCATAAAATCTATCACAGTGGATGAA[A>G]ATGGCAAGTCATTTGCAGTCGTCTTATATGCAGATTTTCAAGAAAGGAAAATACCTCTTA-3'
Protein context (NP_064592.3, residues 37-57): ASIKSITVDE[Asn47Asp]GKSFAVVLYA